The following is an entry in ClinVar:

ClinVar aggregate classification (germline): Uncertain significance (1 of 4 stars; one submission).

Allele frequency attached by ClinVar (database versions not stated): gnomAD exomes below 0.00001.
gnomAD v4.1: 2 of 1,614,116 alleles (0.00012%); highest among the groups gnomAD compares: Non-Finnish European, 0.00017%; no homozygotes.

Submission:

Labcorp Genetics (formerly Invitae), Labcorp
Classification: Uncertain significance. Last evaluated: 2022-07-16. Review status: criteria provided, single submitter. Criteria: Invitae Variant Classification Sherloc (09022015). Collection method: clinical testing. Allele origin: germline.
Comment: In summary, the available evidence is currently insufficient to determine the role of this variant in disease. Therefore, it has been classified as a Variant of Uncertain Significance. Algorithms developed to predict the effect of missense changes on protein structure and function are either unavailable or do not agree on the potential impact of this missense change (SIFT: "Deleterious"; PolyPhen-2: "Benign"; Align-GVGD: "Class C0"). This variant has not been reported in the literature in individuals affected with RUSC2-related conditions. This variant is present in population databases (no rsID available, gnomAD 0.0009%). This sequence change replaces isoleucine, which is neutral and non-polar, with phenylalanine, which is neutral and non-polar, at codon 783 of the RUSC2 protein (p.Ile783Phe).

NM_014806.5(RUSC2):c.2347A>T (p.Ile783Phe)

Gene: RUSC2 (RUN and SH3 domain containing 2; plus strand). Cytogenetic location: 9p13.3.
Variant type: single nucleotide variant.
Coding change: c.2347A>T on transcript NM_014806.5 (MANE Select); coding-DNA position 2347, A replaced by T.
Protein change: p.Ile783Phe; replaces isoleucine 783 with phenylalanine.
Molecular consequence: missense variant. On other transcripts: 5 prime UTR variant (1), non-coding transcript variant (1).
Genome position (GRCh38, 1-based): chr9:35,555,392, A>T. VCF-style: chr9-35555392-A-T. GRCh37 (hg19) VCF-style: chr9-35555389-A-T.
Other names: c.2347A>T, p.Ile783Phe (NM_001135999.2); c.-288A>T (NM_001330740.2); short protein forms I783F.
Identifiers: ClinVar variation 1716013 (VCV001716013.5), dbSNP rs1424286148, ClinGen allele CA373341122.
Genomic context (GRCh38, chr9:35,555,392, plus strand): 5'-AGGAAAGCTGGGTCTGAGCCAGAGACCTCTCGGCCATCGCCCCTGGGCAGCTACTCCCCC[A>T]TCCGGAGTGTTGGCCCCTTTGGGCCCAGCACTGACTCTTCTGCCTCCACTTCGTGCTCCC-3'
Protein context (NP_055621.2, residues 773-793): RPSPLGSYSP[Ile783Phe]RSVGPFGPST